The following is an entry in ClinVar:

ClinVar aggregate classification (germline): Likely pathogenic (1 of 4 stars; one submission).

Conditions:
Mitochondrial neurogastrointestinal encephalomyopathy. Also called: Mitochondrial neurogastrointestinal encephalopathy syndrome; MNGIE syndrome; Thymidine phosphorylase deficiency. Identifiers: Orphanet 298, MedGen C0872218, MONDO:0017575.

Submission:

Natera, Inc.
Classification: Likely pathogenic for Mitochondrial neurogastrointestinal encephalomyopathy. Last evaluated: 2025-01-14. Review status: criteria provided, single submitter. Criteria: Natera Variant Classification Schema (03/2026). Collection method: clinical testing. Allele origin: germline.
Comment: The c.766-2A>T variant in TYMP is a canonical splice acceptor site variant predicted to affect pre-mRNA splicing, which may result in an abnormal transcript and altered protein product. This variant is expected to result in nonsense mediated decay, truncation, or a dysfunctional protein product. This variant is rare in the general population with a frequency below the threshold expected for the associated phenotype(s). Given the available evidence, this variant is classified as Likely Pathogenic.

NM_001953.5(TYMP):c.766-2A>T

Gene: TYMP (thymidine phosphorylase; minus strand). Cytogenetic location: 22q13.33.
Variant type: single nucleotide variant.
Coding change: c.766-2A>T on transcript NM_001953.5 (MANE Select); the canonical splice acceptor site of the intron before coding-DNA position 766, A replaced by T.
Molecular consequence: splice acceptor variant.
Genome position (GRCh38, 1-based): chr22:50,526,740, T>A on the plus strand (A>T on the coding strand, the complement: TYMP is on the minus strand). VCF-style: chr22-50526740-T-A. GRCh37 (hg19) VCF-style: chr22-50965169-T-A.
Other names: c.766-2A>T (NM_001257989.1, NM_001257988.1, NM_001113755.3 and 1 more transcripts).
Identifiers: ClinVar variation 4062499 (VCV004062499.2).